The following is an entry in ClinVar:

NM_016373.4(WWOX):c.978G>T (p.Met326Ile)

Gene: WWOX (WW domain containing oxidoreductase; plus strand). Cytogenetic location: 16q23.1.
Variant type: single nucleotide variant.
Coding change: c.978G>T on transcript NM_016373.4 (MANE Select); coding-DNA position 978, G replaced by T.
Protein change: p.Met326Ile; replaces methionine 326 with isoleucine.
Molecular consequence: missense variant.
Genome position (GRCh38, 1-based): chr16:78,432,674, G>T. VCF-style: chr16-78432674-G-T. GRCh37 (hg19) VCF-style: chr16-78466571-G-T.
Other names: c.639G>T, p.Met213Ile (NM_001291997.2); short protein forms M326I, M213I.
Identifiers: ClinVar variation 1361143 (VCV001361143.8), dbSNP rs748074874, ClinGen allele CA396843381.

ClinVar aggregate classification (germline): Uncertain significance (1 of 4 stars; one submission).

Conditions:
Developmental and epileptic encephalopathy, 1 (DEE1). Also called: INFANTILE SPASM SYNDROME, X-LINKED 1; Epileptic encephalopathy, early infantile, 1; X-linked infantile spasms; West's syndrome; Tonic spasms with clustering, arrest of psychomotor development and hypsarrhythmia on EEG; X-Linked Infantile Spasm Syndrome. Identifiers: MedGen C3463992, MONDO:0010632, OMIM 308350. Disease mechanism: loss of function.
Autosomal recessive spinocerebellar ataxia 12. Also called: SPINOCEREBELLAR ATAXIA WITH MENTAL RETARDATION AND EPILEPSY. Identifiers: Orphanet 284282, MedGen C3280452, MONDO:0013687, OMIM 614322.

gnomAD v4.1: 8 of 1,614,208 alleles (0.0005%); highest among the groups gnomAD compares: African/African-American, 0.0013%; no homozygotes.

Submission:

Labcorp Genetics (formerly Invitae), Labcorp
Classification: Uncertain significance for Developmental and epileptic encephalopathy, 1; Autosomal recessive spinocerebellar ataxia 12. Last evaluated: 2022-07-25. Review status: criteria provided, single submitter. Criteria: Invitae Variant Classification Sherloc (09022015). Collection method: clinical testing. Allele origin: germline.
Comment: Algorithms developed to predict the effect of missense changes on protein structure and function are either unavailable or do not agree on the potential impact of this missense change (SIFT: "Not Available"; PolyPhen-2: "Benign"; Align-GVGD: "Not Available"). This sequence change replaces methionine, which is neutral and non-polar, with isoleucine, which is neutral and non-polar, at codon 326 of the WWOX protein (p.Met326Ile). This variant is present in population databases (no rsID available, gnomAD 0.002%). This variant has not been reported in the literature in individuals affected with WWOX-related conditions. ClinVar contains an entry for this variant (Variation ID: 1361143). In summary, the available evidence is currently insufficient to determine the role of this variant in disease. Therefore, it has been classified as a Variant of Uncertain Significance.